The following is an entry in ClinVar:

ClinVar aggregate classification (germline): Uncertain significance (1 of 4 stars; one submission).

Conditions:
Inborn genetic diseases. Identifiers: MedGen C0950123, MeSH D030342.

Submission:

Ambry Genetics
Classification: Uncertain significance for Inborn genetic diseases. Last evaluated: 2023-04-06. Review status: criteria provided, single submitter. Criteria: Ambry Variant Classification Scheme 2023. Collection method: clinical testing. Allele origin: germline.
Comment: The p.E2251K variant (also known as c.6751G>A), located in coding exon 40 of the ATR gene, results from a G to A substitution at nucleotide position 6751. The glutamic acid at codon 2251 is replaced by lysine, an amino acid with similar properties. This amino acid position is conserved. In addition, the in silico prediction for this alteration is inconclusive. Since supporting evidence is limited at this time, the clinical significance of this alteration remains unclear.

NM_001184.4(ATR):c.6751G>A (p.Glu2251Lys)

Gene: ATR (ATR checkpoint kinase; minus strand). Cytogenetic location: 3q23.
Variant type: single nucleotide variant.
Coding change: c.6751G>A on transcript NM_001184.4 (MANE Select); coding-DNA position 6751, G replaced by A.
Protein change: p.Glu2251Lys; replaces glutamic acid 2251 with lysine.
Molecular consequence: missense variant.
Genome position (GRCh38, 1-based): chr3:142,466,470, C>T on the plus strand (G>A on the coding strand, the complement: ATR is on the minus strand). VCF-style: chr3-142466470-C-T. GRCh37 (hg19) VCF-style: chr3-142185312-C-T.
Other names: c.6559G>A, p.Glu2187Lys (NM_001354579.2); short protein forms E2187K, E2251K.
Identifiers: ClinVar variation 2567799 (VCV002567799.2), dbSNP rs2108273695, ClinGen allele CA354801967.